The following is an entry in ClinVar:

NM_006158.5(NEFL):c.1391A>T (p.Glu464Val)

Gene: NEFL (neurofilament light chain; minus strand). Cytogenetic location: 8p21.2.
Variant type: single nucleotide variant.
Coding change: c.1391A>T on transcript NM_006158.5 (MANE Select); coding-DNA position 1391, A replaced by T.
Protein change: p.Glu464Val; replaces glutamic acid 464 with valine.
Molecular consequence: missense variant.
Genome position (GRCh38, 1-based): chr8:24,953,574, T>A on the plus strand (A>T on the coding strand, the complement: NEFL is on the minus strand). VCF-style: chr8-24953574-T-A. GRCh37 (hg19) VCF-style: chr8-24811088-T-A.
Other names: c.1391A>T (NM_006158.3); short protein forms E464V.
Identifiers: ClinVar variation 1058750 (VCV001058750.7), dbSNP rs373274253, ClinGen allele CA174058527.

ClinVar aggregate classification (germline): Uncertain significance. Review status: criteria provided, multiple submitters, no conflicts (2 of 4 stars). 3 submissions from 3 submitters: Uncertain significance (3). Last evaluated 2026-03-12.

Conditions:
Charcot-Marie-Tooth disease type 2E (CMT2E). Also called: CHARCOT-MARIE-TOOTH DISEASE, AXONAL, TYPE 2E; CHARCOT-MARIE-TOOTH NEUROPATHY, TYPE 2E. Identifiers: Orphanet 99939, MedGen C1843225, MONDO:0011894, OMIM 607684.
Inborn genetic diseases. Identifiers: MedGen C0950123, MeSH D030342.

Allele frequency attached by ClinVar (database versions not stated): gnomAD exomes 0.00001; gnomAD 0.00003 and 0.00004; TOPMed 0.00003.
gnomAD v4.1: 18 of 1,614,042 alleles (0.0011%); highest among the groups gnomAD compares: African/African-American, 0.019%; no homozygotes.

Submissions (3):

GeneDx
Classification: Uncertain significance. Last evaluated: 2026-03-12. Review status: criteria provided, single submitter. Criteria: GeneDx Variant Classification Process June 2021. Collection method: clinical testing. Allele origin: germline.
Comment: Has not been previously published as pathogenic or benign to our knowledge; In silico analysis does not support a benign or deleterious effect of this variant on protein structure/function

Ambry Genetics
Classification: Uncertain significance for Inborn genetic diseases. Last evaluated: 2025-11-20. Review status: criteria provided, single submitter. Criteria: Ambry Variant Classification Scheme 2023. Collection method: clinical testing. Allele origin: germline.

Labcorp Genetics (formerly Invitae), Labcorp
Classification: Uncertain significance for Charcot-Marie-Tooth disease type 2E. Last evaluated: 2025-01-29. Review status: criteria provided, single submitter. Criteria: Invitae Variant Classification Sherloc (09022015). Collection method: clinical testing. Allele origin: germline.
Comment: This sequence change replaces glutamic acid, which is acidic and polar, with valine, which is neutral and non-polar, at codon 464 of the NEFL protein (p.Glu464Val). This variant is present in population databases (rs373274253, gnomAD 0.02%). This variant has not been reported in the literature in individuals affected with NEFL-related conditions. ClinVar contains an entry for this variant (Variation ID: 1058750). Invitae Evidence Modeling of protein sequence and biophysical properties (such as structural, functional, and spatial information, amino acid conservation, physicochemical variation, residue mobility, and thermodynamic stability) has been performed for this missense variant. However, the output from this modeling did not meet the statistical confidence thresholds required to predict the impact of this variant on NEFL protein function. In summary, the available evidence is currently insufficient to determine the role of this variant in disease. Therefore, it has been classified as a Variant of Uncertain Significance.